The following is an entry in ClinVar:

NM_005560.6(LAMA5):c.4508G>A (p.Arg1503His)

Gene: LAMA5 (laminin subunit alpha 5; minus strand). Cytogenetic location: 20q13.33.
Variant type: single nucleotide variant.
Coding change: c.4508G>A on transcript NM_005560.6 (MANE Select); coding-DNA position 4508, G replaced by A.
Protein change: p.Arg1503His; replaces arginine 1503 with histidine.
Molecular consequence: missense variant.
Genome position (GRCh38, 1-based): chr20:62,328,385, C>T on the plus strand (G>A on the coding strand, the complement: LAMA5 is on the minus strand). VCF-style: chr20-62328385-C-T. GRCh37 (hg19) VCF-style: chr20-60903441-C-T.
Other names: c.4508G>A (NM_005560.3); short protein forms R1503H.
Identifiers: ClinVar variation 2420318 (VCV002420318.3), dbSNP rs369817608, ClinGen allele CA9942572.

ClinVar aggregate classification (germline): Uncertain significance. Review status: criteria provided, multiple submitters, no conflicts (2 of 4 stars). 2 submissions from 2 submitters: Uncertain significance (2). Last evaluated 2025-04-29.

Conditions:
Inborn genetic diseases. Identifiers: MedGen C0950123, MeSH D030342.

Allele frequency attached by ClinVar (database versions not stated): gnomAD exomes 0.00002; gnomAD 0.00003; TOPMed 0.00004; ESP Exome Variant Server 0.00008; ExAC 0.00013.
gnomAD v4.1: 42 of 1,562,648 alleles (0.0027%); highest among the groups gnomAD compares: East Asian, 0.0092%; 1 homozygote.

Submissions (2):

Ambry Genetics
Classification: Uncertain significance for Inborn genetic diseases. Last evaluated: 2025-04-29. Review status: criteria provided, single submitter. Criteria: Ambry Variant Classification Scheme 2023. Collection method: clinical testing. Allele origin: germline.

Labcorp Genetics (formerly Invitae), Labcorp
Classification: Uncertain significance. Last evaluated: 2022-06-05. Review status: criteria provided, single submitter. Criteria: Invitae Variant Classification Sherloc (09022015). Collection method: clinical testing. Allele origin: germline.
Comment: This sequence change replaces arginine, which is basic and polar, with histidine, which is basic and polar, at codon 1503 of the LAMA5 protein (p.Arg1503His). This variant is present in population databases (rs369817608, gnomAD 0.01%). This variant has not been reported in the literature in individuals affected with LAMA5-related conditions. Algorithms developed to predict the effect of missense changes on protein structure and function (SIFT, PolyPhen-2, Align-GVGD) all suggest that this variant is likely to be tolerated. In summary, the available evidence is currently insufficient to determine the role of this variant in disease. Therefore, it has been classified as a Variant of Uncertain Significance.